The following is an entry in ClinVar:

NM_002666.5(PLIN1):c.46-4_50del

Genes: PLIN1 (perilipin 1; minus strand), LOC125146351 (Sharpr-MPRA regulatory region 3473; plus strand). Cytogenetic location: 15q26.1.
Variant type: Deletion.
Coding change: c.46-4_50del on transcript NM_002666.5 (MANE Select); 4 bases into the intron before coding-DNA position 46 through coding-DNA position 50, 9 bases deleted (CCAGGAGCA; older notation c.46-4_50delCCAGGAGCA).
Molecular consequence: splice acceptor variant.
Genome position (GRCh38, 1-based): chr15:89,673,410-89,673,418, TGCTCCTGG deleted on the plus strand (CCAGGAGCA on the coding strand, the reverse complement: PLIN1 is on the minus strand); deleting any 9 consecutive bases within chr15:89,673,410-89,673,421 gives the same sequence; the c. name uses the placement nearest the transcript's 3' end. VCF-style (leftmost placement, unchanged base first): chr15-89673409-CTGCTCCTGG-C. GRCh37 (hg19) VCF-style: chr15-90216640-CTGCTCCTGG-C.
Other names: c.46-4_50delCCAGGAGCA (NM_002666.5); c.46-4_50del (NM_001145311.2).
Identifiers: ClinVar variation 4537183 (VCV004537183.1).
Genomic context (GRCh38, chr15:89,673,409, plus strand): 5'-GAAGCATTCGCAGGTGCCACTCACCACCGGCAGCTGCAGGACCCGCTGCAGCACATTCTC[CTGCTCCTGG>C]TGCGGAAGGAACACATTCAAGTTGTCCCACCTCCCTCTCCAGCCTCCCGGGAAGCTGACC-3'

ClinVar aggregate classification (germline): Uncertain significance (1 of 4 stars; one submission).

Submission:

Women's Health and Genetics/Laboratory Corporation of America, LabCorp
Classification: Uncertain significance. Last evaluated: 2025-11-25. Review status: criteria provided, single submitter. Criteria: LabCorp Variant Classification Summary - May 2015. Collection method: clinical testing. Allele origin: germline.
Comment: Variant summary: PLIN1 c.46-4_50delCCAGGAGCA is located in a canonical splice-site and is predicted to affect mRNA splicing resulting in a significantly altered protein due to either exon skipping, shortening, or inclusion of intronic material. Variants that disrupt the consensus splice site are a relatively common cause of aberrant splicing, however current evidence is not sufficient to establish loss of function as a mechanism for disease. Several computational tools predict a significant impact on normal splicing: four predict the variant abolishes a 3' acceptor site and four predict the variant creates a 3' acceptor site. However, these predictions have yet to be confirmed by functional studies. The variant allele was found at a frequency of 1.8e-05 in 220368 control chromosomes. To our knowledge, no occurrence of c.46-4_50delCCAGGAGCA in individuals affected with PLIN1-related conditions and no experimental evidence demonstrating its impact on protein function have been reported. No submitters have cited clinical-significance assessments for this variant to ClinVar. Based on the evidence outlined above, the variant was classified as uncertain significance.